The following is an entry in ClinVar:

NM_020693.4(DSCAML1):c.1348C>G (p.Arg450Gly)

Gene: DSCAML1 (DS cell adhesion molecule like 1; minus strand). Cytogenetic location: 11q23.3.
Variant type: single nucleotide variant.
Coding change: c.1348C>G on transcript NM_020693.4 (MANE Select); coding-DNA position 1348, C replaced by G.
Protein change: p.Arg450Gly; replaces arginine 450 with glycine.
Molecular consequence: missense variant.
Genome position (GRCh38, 1-based): chr11:117,518,628, G>C on the plus strand (C>G on the coding strand, the complement: DSCAML1 is on the minus strand). VCF-style: chr11-117518628-G-C. GRCh37 (hg19) VCF-style: chr11-117389343-G-C.
Other names: c.1348C>G, p.Arg450Gly (NM_001367904.1); c.940C>G, p.Arg314Gly (NM_001367905.1); short protein forms R314G, R450G.
Identifiers: ClinVar variation 2794848 (VCV002794848.3), dbSNP rs199602566, ClinGen allele CA382745820.

ClinVar aggregate classification (germline): Uncertain significance (1 of 4 stars; one submission).

Submission:

Labcorp Genetics (formerly Invitae), Labcorp
Classification: Uncertain significance. Last evaluated: 2023-06-15. Review status: criteria provided, single submitter. Criteria: Invitae Variant Classification Sherloc (09022015). Collection method: clinical testing. Allele origin: germline.
Comment: This sequence change replaces arginine, which is basic and polar, with glycine, which is neutral and non-polar, at codon 510 of the DSCAML1 protein (p.Arg510Gly). This variant is not present in population databases (gnomAD no frequency). In summary, the available evidence is currently insufficient to determine the role of this variant in disease. Therefore, it has been classified as a Variant of Uncertain Significance. An algorithm developed to predict the effect of missense changes on protein structure and function (PolyPhen-2) suggests that this variant is likely to be disruptive. This variant has not been reported in the literature in individuals affected with DSCAML1-related conditions.